The following is an entry in ClinVar:

ClinVar aggregate classification (germline): Uncertain significance (1 of 4 stars; one submission).

Submission:

GeneDx
Classification: Uncertain significance. Last evaluated: 2025-06-24. Review status: criteria provided, single submitter. Criteria: GeneDx Variant Classification Process June 2021. Collection method: clinical testing. Allele origin: germline. Affected: yes.
Comment: Not observed at significant frequency in large population cohorts (gnomAD); In silico analysis supports that this missense variant has a deleterious effect on protein structure/function; Has not been previously published as pathogenic or benign to our knowledge; This variant is associated with the following publications: (PMID: 12668474, 33767344)

NM_000540.3(RYR1):c.7232C>T (p.Pro2411Leu)

Gene: RYR1 (ryanodine receptor 1; plus strand). Cytogenetic location: 19q13.2.
Variant type: single nucleotide variant.
Coding change: c.7232C>T on transcript NM_000540.3 (MANE Select); coding-DNA position 7232, C replaced by T.
Protein change: p.Pro2411Leu; replaces proline 2411 with leucine.
Molecular consequence: missense variant.
Genome position (GRCh38, 1-based): chr19:38,499,925, C>T. VCF-style: chr19-38499925-C-T. GRCh37 (hg19) VCF-style: chr19-38990565-C-T.
Other names: c.7232C>T, p.Pro2411Leu (NM_001042723.2); short protein forms P2411L.
Identifiers: ClinVar variation 4540198 (VCV004540198.1).
Genomic context (GRCh38, chr19:38,499,925, plus strand): 5'-CTGGCCCCTGGCTGCCTCCCCAACCCACCCACCTTCCCTGCAGCTTTGGTGAGGAACCGC[C>T]TGAAGAAAACCGGGTGCACCTGGGACACGCCATCATGTCCTTCTATGCCGCCTTGATCGA-3'
Protein context (NP_000531.2, residues 2401-2421): RRREHFGEEP[Pro2411Leu]EENRVHLGHA